The following is an entry in ClinVar:

ClinVar aggregate classification (germline): Likely benign (1 of 4 stars; one submission).

Submission:

CeGaT Center for Human Genetics Tuebingen
Classification: Likely benign. Last evaluated: 2023-01-01. Review status: criteria provided, single submitter. Criteria: CeGaT Center For Human Genetics Tuebingen Variant Classification Criteria Version 2. Collection method: clinical testing. Allele origin: germline. Affected: yes. Observed: 1 variant allele.
Comment: BCOR: BS2

NM_001123383.2(BCOR):c.-40-27233dup

Genes: BCOR (BCL6 corepressor; minus strand), LOC107985687 (translation initiation factor IF-2-like; minus strand). Cytogenetic location: Xp11.4.
Variant type: Duplication.
Coding change: c.-40-27233dup on transcript NM_001123383.2; 27233 bases into the intron before 40 bases upstream of the start codon, one base duplicated (G; older notation c.-40-27233dupG).
Molecular consequence: intron variant. On other transcripts: non-coding transcript variant (1).
Genome position (GRCh38, 1-based): chrX:40,105,202, C duplicated on the plus strand (G on the coding strand, the reverse complement: BCOR is on the minus strand); the first of 2 consecutive C bases (chrX:40,105,202-40,105,203); duplicating either gives the same sequence. VCF-style (leftmost placement, unchanged base first): chrX-40105201-G-GC. GRCh37 (hg19) VCF-style: chrX-39964454-G-GC.
Other names: c.-40-27233dup (NM_001123384.2, NM_001438207.1, NM_001437510.1 and 1 more transcripts).
Identifiers: ClinVar variation 2660318 (VCV002660318.22), dbSNP rs1286050363, ClinGen allele CA640873479.
Genomic context (GRCh38, chrX:40,105,201, plus strand): 5'-CGCGGCCGTTCCCGCGGGGTCTCCGGACCCCGCCTCCCCGCCCCTCCCCGTGGGGGCTGG[G>GC]CCGAGACCACCCTGCGGCCCCCATCCCAGCGCAAGCCGAAAGCGGCGCTGCCAGACGCAG-3'